The following is an entry in ClinVar:

NM_001370259.2(MEN1):c.1330C>G (p.Leu444Val)

Gene: MEN1 (menin 1; minus strand). Cytogenetic location: 11q13.1.
Variant type: single nucleotide variant.
Coding change: c.1330C>G on transcript NM_001370259.2 (MANE Select); coding-DNA position 1330, C replaced by G.
Protein change: p.Leu444Val; replaces leucine 444 with valine.
Molecular consequence: missense variant.
Genome position (GRCh38, 1-based): chr11:64,805,054, G>C on the plus strand (C>G on the coding strand, the complement: MEN1 is on the minus strand). VCF-style: chr11-64805054-G-C. GRCh37 (hg19) VCF-style: chr11-64572526-G-C.
Other names: c.1345C>G, p.Leu449Val (NM_000244.4, NM_130800.3, NM_130801.3 and 3 more transcripts); c.1456C>G, p.Leu486Val (NM_001370251.2); c.1330C>G, p.Leu444Val (NM_001370260.2, NM_001370261.2, NM_130799.3); c.1225C>G, p.Leu409Val (NM_001370262.2, NM_001370263.2); short protein forms L444V, L409V, L486V, L449V.
Identifiers: ClinVar variation 1442860 (VCV001442860.8), dbSNP rs2136100021, ClinGen allele CA381180124.

ClinVar aggregate classification (germline): Uncertain significance (1 of 4 stars; one submission).

Conditions:
Multiple endocrine neoplasia, type 1 (MEN1). Also called: Endocrine adenomatosis multiple; MEN 1; MEA I; MEN I; WERMER SYNDROME. Identifiers: Orphanet 652, MedGen C0025267, MeSH D018761, MONDO:0007540, OMIM 131100.

Allele frequency attached by ClinVar (database versions not stated): gnomAD exomes below 0.00001.
gnomAD v4.1: 1 of 1,614,058 alleles (0.000062%); highest among the groups gnomAD compares: Non-Finnish European, 0.000085%; no homozygotes.

Submission:

Labcorp Genetics (formerly Invitae), Labcorp
Classification: Uncertain significance for Multiple endocrine neoplasia, type 1. Last evaluated: 2021-03-11. Review status: criteria provided, single submitter. Criteria: Invitae Variant Classification Sherloc (09022015). Collection method: clinical testing. Allele origin: germline.
Comment: This sequence change replaces leucine with valine at codon 444 of the MEN1 protein (p.Leu444Val). The leucine residue is moderately conserved and there is a small physicochemical difference between leucine and valine. In summary, the available evidence is currently insufficient to determine the role of this variant in disease. Therefore, it has been classified as a Variant of Uncertain Significance. Algorithms developed to predict the effect of sequence changes on RNA splicing suggest that this variant may create or strengthen a splice site, but this prediction has not been confirmed by published transcriptional studies. Advanced modeling of protein sequence and biophysical properties (such as structural, functional, and spatial information, amino acid conservation, physicochemical variation, residue mobility, and thermodynamic stability) performed at Invitae indicates that this missense variant is expected to disrupt MEN1 protein function. This variant has not been reported in the literature in individuals with MEN1-related conditions. This variant is not present in population databases (ExAC no frequency).